The following is an entry in ClinVar:

ClinVar aggregate classification (germline): Uncertain significance (1 of 4 stars; one submission).

Submission:

Ambry Genetics
Classification: Uncertain significance. Last evaluated: 2023-03-20. Review status: criteria provided, single submitter. Criteria: Ambry Variant Classification Scheme 2023. Collection method: clinical testing. Allele origin: germline.
Comment: The p.L1526P variant (also known as c.4577T>C), located in coding exon 16 of the POLQ gene, results from a T to C substitution at nucleotide position 4577. The leucine at codon 1526 is replaced by proline, an amino acid with similar properties. This amino acid position is conserved. In addition, this alteration is predicted to be tolerated by in silico analysis. Since supporting evidence is limited at this time, the clinical significance of this alteration remains unclear.

NM_199420.4(POLQ):c.4577T>C (p.Leu1526Pro)

Gene: POLQ (DNA polymerase theta; minus strand). Cytogenetic location: 3q13.33.
Variant type: single nucleotide variant.
Coding change: c.4577T>C on transcript NM_199420.4 (MANE Select); coding-DNA position 4577, T replaced by C.
Protein change: p.Leu1526Pro; replaces leucine 1526 with proline.
Molecular consequence: missense variant.
Genome position (GRCh38, 1-based): chr3:121,488,354, A>G on the plus strand (T>C on the coding strand, the complement: POLQ is on the minus strand). VCF-style: chr3-121488354-A-G. GRCh37 (hg19) VCF-style: chr3-121207201-A-G.
Other names: short protein forms L1526P.
Identifiers: ClinVar variation 2563769 (VCV002563769.2), dbSNP rs2546785773, ClinGen allele CA354094655.